The following is an entry in ClinVar:

NM_032536.4(NTNG2):c.615C>G (p.Ser205=)

Gene: NTNG2 (netrin G2; plus strand). Cytogenetic location: 9q34.13.
Variant type: single nucleotide variant.
Coding change: c.615C>G on transcript NM_032536.4 (MANE Select); coding-DNA position 615, C replaced by G.
Protein change: p.Ser205=; no amino-acid change (serine 205 retained).
Molecular consequence: synonymous variant.
Genome position (GRCh38, 1-based): chr9:132,198,367, C>G. VCF-style: chr9-132198367-C-G. GRCh37 (hg19) VCF-style: chr9-135073754-C-G.
Identifiers: ClinVar variation 2659643 (VCV002659643.24), dbSNP rs368226145, ClinGen allele CA5295957.

ClinVar aggregate classification (germline): Likely benign (1 of 4 stars; one submission).

Allele frequency attached by ClinVar (database versions not stated): ExAC 0.00006; gnomAD 0.00009; TOPMed 0.00010; gnomAD exomes 0.00015; ESP Exome Variant Server 0.00023.
gnomAD v4.1: 234 of 1,612,864 alleles (0.015%); highest among the groups gnomAD compares: Non-Finnish European, 0.019%; no homozygotes.

Submission:

CeGaT Center for Human Genetics Tuebingen
Classification: Likely benign. Last evaluated: 2023-04-01. Review status: criteria provided, single submitter. Criteria: CeGaT Center For Human Genetics Tuebingen Variant Classification Criteria Version 2. Collection method: clinical testing. Allele origin: germline. Affected: yes. Observed: 1 variant allele.
Comment: NTNG2: BP4, BP7